The following is an entry in ClinVar:

NM_001008537.3(NEXMIF):c.1728C>A (p.Asn576Lys)

Gene: NEXMIF (neurite extension and migration factor; minus strand). Cytogenetic location: Xq13.3.
Variant type: single nucleotide variant.
Coding change: c.1728C>A on transcript NM_001008537.3 (MANE Select); coding-DNA position 1728, C replaced by A.
Protein change: p.Asn576Lys; replaces asparagine 576 with lysine.
Molecular consequence: missense variant.
Genome position (GRCh38, 1-based): chrX:74,742,829, G>T on the plus strand (C>A on the coding strand, the complement: NEXMIF is on the minus strand). VCF-style: chrX-74742829-G-T. GRCh37 (hg19) VCF-style: chrX-73962664-G-T.
Other names: short protein forms N576K.
Identifiers: ClinVar variation 657463 (VCV000657463.10), dbSNP rs768265637, ClinGen allele CA10455100.

ClinVar aggregate classification (germline): Uncertain significance (1 of 4 stars; one submission).

Allele frequency attached by ClinVar (database versions not stated): ExAC 0.00001; gnomAD 0.00001; gnomAD exomes 0.00001 and 0.00003; TOPMed 0.00002.
gnomAD v4.1: 7 of 1,209,298 alleles (0.00058%); highest among the groups gnomAD compares: Admixed American, 0.015%; no homozygotes.

Submission:

Labcorp Genetics (formerly Invitae), Labcorp
Classification: Uncertain significance. Last evaluated: 2025-09-23. Review status: criteria provided, single submitter. Criteria: Invitae Variant Classification Sherloc (09022015). Collection method: clinical testing. Allele origin: germline.
Comment: This sequence change replaces asparagine, which is neutral and polar, with lysine, which is basic and polar, at codon 576 of the NEXMIF protein (p.Asn576Lys). This variant is present in population databases (rs768265637, gnomAD 0.02%), including at least one homozygous and/or hemizygous individual. This variant has not been reported in the literature in individuals affected with NEXMIF-related conditions. ClinVar contains an entry for this variant (Variation ID: 657463). An algorithm developed to predict the effect of missense changes on protein structure and function (PolyPhen-2) suggests that this variant is likely to be tolerated. In summary, the available evidence is currently insufficient to determine the role of this variant in disease. Therefore, it has been classified as a Variant of Uncertain Significance.